The following is an entry in ClinVar:

ClinVar aggregate classification (germline): Uncertain significance (1 of 4 stars; one submission).

Conditions:
Combined immunodeficiency due to ORAI1 deficiency. Also called: IMMUNODEFICIENCY 9. Identifiers: Orphanet 169090, Orphanet 317428, MedGen C2748568, MONDO:0013007, OMIM 612782.
Myopathy, tubular aggregate, 2 (TAM2). Identifiers: MedGen C4014557, MONDO:0014383, OMIM 615883.

Submission:

Labcorp Genetics (formerly Invitae), Labcorp
Classification: Uncertain significance for Myopathy, tubular aggregate, 2; Immune dysfunction with T-cell inactivation due to calcium entry defect 1. Last evaluated: 2018-08-26. Review status: criteria provided, single submitter. Criteria: Invitae Variant Classification Sherloc (09022015). Collection method: clinical testing. Allele origin: germline.
Comment: This sequence change replaces alanine with threonine at codon 234 of the ORAI1 protein (p.Ala234Thr). The alanine residue is highly conserved and there is a small physicochemical difference between alanine and threonine. This variant is not present in population databases (ExAC no frequency). This variant has not been reported in the literature in individuals with ORAI1-related disease. Algorithms developed to predict the effect of missense changes on protein structure and function (SIFT, PolyPhen-2, Align-GVGD) all suggest that this variant is likely to be tolerated, but these predictions have not been confirmed by published functional studies and their clinical significance is uncertain. In summary, the available evidence is currently insufficient to determine the role of this variant in disease. Therefore, it has been classified as a Variant of Uncertain Significance.

NM_032790.4(ORAI1):c.700G>A (p.Ala234Thr)

Gene: ORAI1 (ORAI calcium release-activated calcium modulator 1; plus strand). Cytogenetic location: 12q24.31.
Variant type: single nucleotide variant.
Coding change: c.700G>A on transcript NM_032790.4 (MANE Select); coding-DNA position 700, G replaced by A.
Protein change: p.Ala234Thr; replaces alanine 234 with threonine.
Genome position (GRCh38, 1-based): chr12:121,641,437, G>A. VCF-style: chr12-121641437-G-A. GRCh37 (hg19) VCF-style: chr12-122079343-G-A.
Other names: short protein forms A234T.
Identifiers: ClinVar variation 664256 (VCV000664256.1), dbSNP rs1594212759, ClinGen allele CA386984202.